The following is an entry in ClinVar:

NM_015488.5(PNKD):c.40G>A (p.Gly14Arg)

Genes: PNKD (PNKD metallo-beta-lactamase domain containing; plus strand), LOC129935594 (ATAC-STARR-seq lymphoblastoid active region 17117; plus strand). Cytogenetic location: 2q35.
Variant type: single nucleotide variant.
Coding change: c.40G>A on transcript NM_015488.5 (MANE Select); coding-DNA position 40, G replaced by A.
Protein change: p.Gly14Arg; replaces glycine 14 with arginine.
Molecular consequence: missense variant.
Genome position (GRCh38, 1-based): chr2:218,270,575, G>A. VCF-style: chr2-218270575-G-A. GRCh37 (hg19) VCF-style: chr2-219135298-G-A.
Other names: c.40G>A, p.Gly14Arg (NM_001077399.3); short protein forms G14R.
Identifiers: ClinVar variation 1423266 (VCV001423266.6), dbSNP rs1690790020, ClinGen allele CA350543630.
Genomic context (GRCh38, chr2:218,270,575, plus strand): 5'-AAGCGGGGGTGGGATCTGAACATGGCGGCGGTGGTAGCTGCTACGGCGCTGAAGGGCCGG[G>A]GGGCGAGAAATGCCCGCGTCCTCCGGGGTAAGGAGAGGGACCCCGGGGAGGGCAGGACTG-3'
Protein context (NP_056303.3, residues 4-24): VVAATALKGR[Gly14Arg]ARNARVLRGI

ClinVar aggregate classification (germline): Uncertain significance (1 of 4 stars; one submission).

Conditions:
Paroxysmal nonkinesigenic dyskinesia. Also called: Paroxysmal non-kinesigenic dyskinesia. Identifiers: Orphanet 98810, MedGen C1869117, MONDO:0700088.

Submission:

Labcorp Genetics (formerly Invitae), Labcorp
Classification: Uncertain significance for Paroxysmal nonkinesigenic dyskinesia. Last evaluated: 2022-09-12. Review status: criteria provided, single submitter. Criteria: Invitae Variant Classification Sherloc (09022015). Collection method: clinical testing. Allele origin: germline.
Comment: This variant is not present in population databases (gnomAD no frequency). This sequence change replaces glycine, which is neutral and non-polar, with arginine, which is basic and polar, at codon 14 of the PNKD protein (p.Gly14Arg). This variant has not been reported in the literature in individuals affected with PNKD-related conditions. ClinVar contains an entry for this variant (Variation ID: 1423266). Algorithms developed to predict the effect of missense changes on protein structure and function are either unavailable or do not agree on the potential impact of this missense change (SIFT: "Deleterious"; PolyPhen-2: "Probably Damaging"; Align-GVGD: "Class C0"). In summary, the available evidence is currently insufficient to determine the role of this variant in disease. Therefore, it has been classified as a Variant of Uncertain Significance.